The following is an entry in ClinVar:

NM_001048174.2(MUTYH):c.1435-2A>G

Gene: MUTYH (mutY DNA glycosylase; minus strand). Cytogenetic location: 1p34.1.
Variant type: single nucleotide variant.
Coding change: c.1435-2A>G on transcript NM_001048174.2 (MANE Select); the canonical splice acceptor site of the intron before coding-DNA position 1435, A replaced by G.
Molecular consequence: splice acceptor variant.
Genome position (GRCh38, 1-based): chr1:45,329,439, T>C on the plus strand (A>G on the coding strand, the complement: MUTYH is on the minus strand). VCF-style: chr1-45329439-T-C. GRCh37 (hg19) VCF-style: chr1-45795111-T-C.
Other names: c.1435-2A>G (NM_001407072.1, NM_001407073.1, NM_001048171.2 and 6 more transcripts); c.1090-2A>G (NM_001350651.2, NM_001350650.2, NM_001407082.1); c.1159-2A>G (NM_001293192.2, NM_001293196.2, NM_001407091.1); c.1480-2A>G (NM_001293190.2); c.1468-2A>G (NM_001407069.1, NM_001407077.1, NM_001293191.2); c.1510-2A>G (NM_012222.3); c.1519-2A>G (NM_001128425.2); c.1438-2A>G (NM_001407071.1, NM_001048172.2, NM_001407078.1 and 1 more transcripts); and 5 more.
Identifiers: ClinVar variation 533318 (VCV000533318.10), dbSNP rs1553123105, ClinGen allele CA340131986.
Genomic context (GRCh38, chr1:45,329,439, plus strand): 5'-TGGCCCATGCGGGGCTTTTTCCGACTGCACGGAGAGGACACCTGGGACCTTTTGGAACCC[T>C]GTGAAAAAATGGAAGGAGGGAGGCCTTGTAGTTGGGGGAGGGGGAGCAGAGAATCCTCTC-3'

ClinVar aggregate classification (germline): Conflicting classifications of pathogenicity. Review status: criteria provided, conflicting classifications (1 of 4 stars). 3 submissions from 3 submitters: Likely pathogenic (2); Uncertain significance (1). Last evaluated 2025-03-24.

Conditions:
Hereditary cancer-predisposing syndrome. Also called: Tumor predisposition; Hereditary neoplastic syndrome; Neoplastic Syndromes, Hereditary; Hereditary Cancer Syndrome. Identifiers: Orphanet 140162, MedGen C0027672, MeSH D009386, MONDO:0015356.
Familial adenomatous polyposis 2. Also called: MUTYH Polyposis; COLORECTAL ADENOMATOUS POLYPOSIS, AUTOSOMAL RECESSIVE; ADENOMAS, MULTIPLE COLORECTAL, AUTOSOMAL RECESSIVE; MUTYH-associated polyposis; MUTYH-related attenuated familial adenomatous polyposis; Adenomas, multiple colorectal. Identifiers: Orphanet 220460, Orphanet 247798, MedGen C3272841, MONDO:0012041, OMIM 608456.

Allele frequency attached by ClinVar (database versions not stated): gnomAD exomes below 0.00001.
gnomAD v4.1: 1 of 1,613,414 alleles (0.000062%); highest among the groups gnomAD compares: Non-Finnish European, 0.000085%; no homozygotes.

Submissions (3):

Ambry Genetics
Classification: Likely pathogenic for Hereditary cancer-predisposing syndrome. Last evaluated: 2025-03-24. Review status: criteria provided, single submitter. Criteria: Ambry Variant Classification Scheme 2023. Collection method: clinical testing. Allele origin: germline.
Comment: The c.1519-2A>G intronic variant results from an A to G substitution two nucleotides upstream from coding exon 16 in the MUTYH gene. This alteration occurs at the 3' terminus of the MUTYH gene, is not expected to trigger nonsense-mediated mRNA decay, and only impacts the last 7% of the protein. The exact functional effect of this alteration is unknown; however, a significant portion of the protein is affected (Ambry internal data). This variant has been identified in the homozygous state and in conjunction with other MUTYH variant(s) in individuals with features consistent with MUTYH-associated polyposis (MAP); in at least one instance, the variants were identified in trans (Ambry internal data). This variant is considered to be rare based on population cohorts in the Genome Aggregation Database (gnomAD). This nucleotide position is highly conserved in available vertebrate species. In silico splice site analysis predicts that this alteration will weaken the native splice acceptor site and may result in the creation or strengthening of a novel splice acceptor site. Based on the majority of available evidence to date, this variant is likely to be pathogenic.

All of Us Research Program, National Institutes of Health
Classification: Uncertain significance for Familial adenomatous polyposis 2. Last evaluated: 2024-03-05. Review status: criteria provided, single submitter. Criteria: ACMG Guidelines, 2015. Collection method: clinical testing. Allele origin: germline. Inheritance: Autosomal recessive inheritance. Observed: 2 variant alleles, 2 heterozygotes.
Comment: This variant causes an A to G nucleotide substitution at the canonical -2 position of intron 15 of the MUTYH gene, impacting the last acceptor splice site. Splice site prediction tools predict that this variant may have a significant impact on RNA splicing. Although this prediction has not been confirmed in published RNA studies, this variant is expected to result in the retention of intron 15 and/or use of an out-of-frame cryptic splice site. Since both events would occur downstream of the penultimate exon, they are predicted to escape non-sense mediated decay. This variant has not been reported in individuals affected with MUTYH-related disorders in the literature. This variant has not been identified in the general population by the Genome Aggregation Database (gnomAD). The available evidence is insufficient to determine the role of this variant in disease conclusively. Therefore, this variant is classified as a Variant of Uncertain Significance.

This study involves interpretation of variants in research participants for the purpose of population health screening. Participant phenotype was not available at the time of variant classification. Additional details can be found in publication PMID: 35346344, PMCID: PMC8962531

Labcorp Genetics (formerly Invitae), Labcorp
Classification: Likely pathogenic for Familial adenomatous polyposis 2. Last evaluated: 2023-05-22. Review status: criteria provided, single submitter. Criteria: Invitae Variant Classification Sherloc (09022015). Collection method: clinical testing. Allele origin: germline.
Comment: This sequence change affects an acceptor splice site in intron 15 of the MUTYH gene. RNA analysis indicates that disruption of this splice site induces altered splicing and likely disrupts the C-terminus of the protein. In summary, the currently available evidence indicates that the variant is pathogenic, but additional data are needed to prove that conclusively. Therefore, this variant has been classified as Likely Pathogenic. This variant disrupts the conserved PCNA binding motif of the MUTYH protein, which has been shown to be critical for MUTYH-PCNA binding and repair efficiency (PMID: 11092888, 26377631, 11433026, 11864576). While functional studies have not been performed to directly test the effect of this variant on MUTYH protein function, this suggests that disruption of this region of the protein is causative of disease. Variants that disrupt the consensus splice site are a relatively common cause of aberrant splicing (PMID: 17576681, 9536098). Studies have shown that disruption of this splice site results in activation of a cryptic splice site and introduces a new termination codon (Invitae). However the mRNA is not expected to undergo nonsense-mediated decay. ClinVar contains an entry for this variant (Variation ID: 533318). This variant has not been reported in the literature in individuals affected with MUTYH-related conditions. This variant is not present in population databases (gnomAD no frequency).

Literature cited by the submitters: PubMed 11092888 (cited by Labcorp Genetics (formerly Invitae), Labcorp); PubMed 26377631 (cited by Labcorp Genetics (formerly Invitae), Labcorp); PubMed 11433026 (cited by Labcorp Genetics (formerly Invitae), Labcorp); PubMed 11864576 (cited by Labcorp Genetics (formerly Invitae), Labcorp); PubMed 17576681 (cited by Labcorp Genetics (formerly Invitae), Labcorp); PubMed 9536098 (cited by Labcorp Genetics (formerly Invitae), Labcorp).